The following is an entry in ClinVar:

ClinVar aggregate classification (germline): Uncertain significance. Review status: criteria provided, multiple submitters, no conflicts (2 of 4 stars). 2 submissions from 2 submitters: Uncertain significance (2). Last evaluated 2023-03-31.

Conditions:
Progressive sclerosing poliodystrophy (MTDPS4A). Also called: Alpers Syndrome; Mitochondrial DNA depletion syndrome 4A (Alpers type); Mitochondrial DNA Depletion Syndrome 4A; Alpers-Huttenlocher Syndrome (AHS); ALPERS PROGRESSIVE INFANTILE POLIODYSTROPHY; ALPERS DIFFUSE DEGENERATION OF CEREBRAL GRAY MATTER WITH HEPATIC CIRRHOSIS. Identifiers: Orphanet 726, MedGen C0205710, MONDO:0008758, OMIM 203700.

Allele frequency attached by ClinVar (database versions not stated): gnomAD exomes below 0.00001.
gnomAD v4.1: 1 of 1,578,510 alleles (0.000063%); highest among the groups gnomAD compares: African/African-American, 0.0013%; no homozygotes.

Submissions (2):

Blueprint Genetics
Classification: Uncertain significance. Last evaluated: 2023-03-31. Review status: criteria provided, single submitter. Criteria: ACMG Guidelines, 2015. Collection method: clinical testing. Allele origin: germline.

Wong Mito Lab, Molecular and Human Genetics, Baylor College of Medicine
Classification: Uncertain significance for Progressive sclerosing poliodystrophy. Last evaluated: 2018-10-01. Review status: criteria provided, single submitter. Criteria: ACMG Guidelines, 2015. Collection method: clinical testing. Allele origin: germline.
Comment: The NM_002693.2:c.538C>T (NP_002684.1:p.Pro180Ser) [GRCH38: NC_000015.10:g.89333217G>A] variant in POLG gene is interpretated to be a Uncertain Significance based on ACMG guidelines (PMID: 25741868). This variant meets the following evidence codes reported in the ACMG-guideline. PM2:This variant is absent in key population databases. Based on the evidence criteria codes applied, the variant is suggested to be Uncertain Significance.

NM_002693.3(POLG):c.538C>T (p.Pro180Ser)

Genes: POLG (DNA polymerase gamma, catalytic subunit; minus strand), POLGARF (POLG alternative reading frame; minus strand). Cytogenetic location: 15q26.1.
Variant type: single nucleotide variant.
Coding change: c.538C>T on transcript NM_002693.3 (MANE Select); coding-DNA position 538, C replaced by T.
Protein change: p.Pro180Ser; replaces proline 180 with serine.
Molecular consequence: missense variant.
Genome position (GRCh38, 1-based): chr15:89,333,217, G>A on the plus strand (C>T on the coding strand, the complement: POLG is on the minus strand). VCF-style: chr15-89333217-G-A. GRCh37 (hg19) VCF-style: chr15-89876448-G-A.
Other names: c.538C>T, p.Pro180Ser (NM_001126131.2); short protein forms P180S.
Identifiers: ClinVar variation 619441 (VCV000619441.2), dbSNP rs1567193954, ClinGen allele CA10602292.